The following is an entry in ClinVar:

ClinVar aggregate classification (germline): Uncertain significance (1 of 4 stars; one submission).

Conditions:
Propionic acidemia (PROP). Also called: GLYCINEMIA, KETOTIC; HYPERGLYCINEMIA WITH KETOACIDOSIS AND LEUKOPENIA; KETOTIC HYPERGLYCINEMIA. Identifiers: Orphanet 35, MedGen C0268579, MONDO:0011628, OMIM 606054, HP:0003571.

gnomAD v4.1: 6 of 1,561,994 alleles (0.00038%); highest among the groups gnomAD compares: Non-Finnish European, 0.00035%; no homozygotes.

Submission:

Labcorp Genetics (formerly Invitae), Labcorp
Classification: Uncertain significance for Propionic acidemia. Last evaluated: 2021-08-27. Review status: criteria provided, single submitter. Criteria: Invitae Variant Classification Sherloc (09022015). Collection method: clinical testing. Allele origin: germline.
Comment: This sequence change replaces leucine with valine at codon 158 of the PCCB protein (p.Leu158Val). The leucine residue is highly conserved and there is a small physicochemical difference between leucine and valine. This variant is not present in population databases (ExAC no frequency). This variant has not been reported in the literature in individuals affected with PCCB-related conditions. Algorithms developed to predict the effect of missense changes on protein structure and function (SIFT, PolyPhen-2, Align-GVGD) all suggest that this variant is likely to be disruptive. Algorithms developed to predict the effect of sequence changes on RNA splicing suggest that this variant may create or strengthen a splice site. In summary, the available evidence is currently insufficient to determine the role of this variant in disease. Therefore, it has been classified as a Variant of Uncertain Significance.

NM_000532.5(PCCB):c.472C>G (p.Leu158Val)

Gene: PCCB (propionyl-CoA carboxylase subunit beta; plus strand). Cytogenetic location: 3q22.3.
Variant type: single nucleotide variant.
Coding change: c.472C>G on transcript NM_000532.5 (MANE Select); coding-DNA position 472, C replaced by G.
Protein change: p.Leu158Val; replaces leucine 158 with valine.
Molecular consequence: missense variant.
Genome position (GRCh38, 1-based): chr3:136,261,994, C>G. VCF-style: chr3-136261994-C-G. GRCh37 (hg19) VCF-style: chr3-135980836-C-G.
Other names: c.532C>G, p.Leu178Val (NM_001178014.2); short protein forms L158V, L178V.
Identifiers: ClinVar variation 1483561 (VCV001483561.5), dbSNP rs2108146685, ClinGen allele CA354739623.